The following is an entry in ClinVar:

NM_002890.3(RASA1):c.1973_1986del (p.Leu658fs)

Genes: CCNH (cyclin H; minus strand), RASA1 (RAS p21 protein activator 1; plus strand). Cytogenetic location: 5q14.3.
Variant type: Deletion.
Coding change: c.1973_1986del on transcript NM_002890.3 (MANE Select); coding-DNA positions 1973 to 1986, 14 bases deleted (TTAGTAATAAAACA).
Protein change: p.Leu658fs; shifts the reading frame from leucine 658.
Molecular consequence: frameshift variant. On other transcripts: intron variant (1).
Genome position (GRCh38, 1-based): chr5:87,374,878-87,374,891, TTAGTAATAAAACA deleted. VCF-style (leftmost placement, unchanged base first): chr5-87374877-CTTAGTAATAAAACA-C. GRCh37 (hg19) VCF-style: chr5-86670694-CTTAGTAATAAAACA-C.
Other names: c.1442_1455del, p.Leu481fs (NM_022650.3); c.933+20153_933+20166del (NM_001364075.2); short protein forms L481fs, L658fs.
Identifiers: ClinVar variation 4886587 (VCV004886587.2).

ClinVar aggregate classification (germline): Likely pathogenic (1 of 4 stars; one submission).

Submission:

Dasa
Classification: Likely pathogenic. Last evaluated: 2024-09-18. Review status: criteria provided, single submitter. Criteria: DASA Assertion Criteria. Collection method: clinical testing. Allele origin: germline.
Comment: NM_002890.3(RASA1):c.1973_1986del (p.Leu658Glnfs*7) is a frameshift variant in RASA1 predicted to alter the reading frame and introduce a premature termination codon and is predicted to result in an absent or altered protein product. Loss of function is an established disease mechanism for RASA1 (PMID: 24038909; PMID: 29891884). Also, this variant is absent from population databases. Based on the currently available evidence, this variant is classified as likely pathogenic.

Literature cited by the submitters: PubMed 24038909; PubMed 29891884.